The following is an entry in ClinVar:

NM_032447.5(FBN3):c.4573C>T (p.Arg1525Trp)

Gene: FBN3 (fibrillin 3; minus strand). Cytogenetic location: 19p13.2.
Variant type: single nucleotide variant.
Coding change: c.4573C>T on transcript NM_032447.5 (MANE Select); coding-DNA position 4573, C replaced by T.
Protein change: p.Arg1525Trp; replaces arginine 1525 with tryptophan.
Molecular consequence: missense variant.
Genome position (GRCh38, 1-based): chr19:8,109,272, G>A on the plus strand (C>T on the coding strand, the complement: FBN3 is on the minus strand). VCF-style: chr19-8109272-G-A. GRCh37 (hg19) VCF-style: chr19-8174156-G-A.
Other names: c.4573C>T, p.Arg1525Trp (NM_001321431.2); c.4573C>T (NM_032447.3); short protein forms R1525W.
Identifiers: ClinVar variation 1430442 (VCV001430442.10), dbSNP rs139787266, ClinGen allele CA9152004.

ClinVar aggregate classification (germline): Uncertain significance. Review status: criteria provided, multiple submitters, no conflicts (2 of 4 stars). 3 submissions from 3 submitters: Uncertain significance (3). Last evaluated 2025-06-24.

Allele frequency attached by ClinVar (database versions not stated): gnomAD exomes 0.00004 and 0.00011; ExAC 0.00010; gnomAD 0.00029 and 0.00031; 1000 Genomes Project 30x 0.00031; TOPMed 0.00035; 1000 Genomes Project 0.00040; ESP Exome Variant Server 0.00046.
gnomAD v4.1: 98 of 1,614,128 alleles (0.0061%); highest among the groups gnomAD compares: African/African-American, 0.1%; no homozygotes.

Submissions (3):

Labcorp Genetics (formerly Invitae), Labcorp
Classification: Uncertain significance. Last evaluated: 2025-06-24. Review status: criteria provided, single submitter. Criteria: Invitae Variant Classification Sherloc (09022015). Collection method: clinical testing. Allele origin: germline.
Comment: This sequence change replaces arginine, which is basic and polar, with tryptophan, which is neutral and slightly polar, at codon 1525 of the FBN3 protein (p.Arg1525Trp). This variant is present in population databases (rs139787266, gnomAD 0.1%), and has an allele count higher than expected for a pathogenic variant. This variant has not been reported in the literature in individuals affected with FBN3-related conditions. ClinVar contains an entry for this variant (Variation ID: 1430442). Invitae Evidence Modeling of protein sequence and biophysical properties (such as structural, functional, and spatial information, amino acid conservation, physicochemical variation, residue mobility, and thermodynamic stability) indicates that this missense variant is not expected to disrupt FBN3 protein function with a negative predictive value of 80%. In summary, the available evidence is currently insufficient to determine the role of this variant in disease. Therefore, it has been classified as a Variant of Uncertain Significance.

Ambry Genetics
Classification: Uncertain significance. Last evaluated: 2021-09-16. Review status: criteria provided, single submitter. Criteria: Ambry Variant Classification Scheme 2023. Collection method: clinical testing. Allele origin: germline.

Breakthrough Genomics
Classification: Uncertain significance. Review status: criteria provided, single submitter. Criteria: ACMG Guidelines, 2015. Collection method: not provided. Allele origin: germline. Inheritance: Unknown mechanism. Affected: yes.